The following is an entry in ClinVar:

ClinVar aggregate classification (germline): Benign/Likely benign. Review status: criteria provided, multiple submitters, no conflicts (2 of 4 stars). 2 submissions from 2 submitters: Benign (1); Likely benign (1). Last evaluated 2026-06-16.

Conditions:
Polyps, multiple and recurrent inflammatory fibroid, gastrointestinal. Identifiers: MedGen C5193005, MONDO:0008285, OMIM 175510.
Gastrointestinal stromal tumor. Also called: Gastrointestinal stromal tumor, somatic; Gastrointestinal stroma tumor. Identifiers: Orphanet 44890, MedGen C0238198, MeSH D046152, MONDO:0011719, OMIM 606764, HP:0100723.

Allele frequency attached by ClinVar (database versions not stated): ExAC 0.00001; gnomAD 0.00001; gnomAD exomes 0.00001; TOPMed 0.00001.
gnomAD v4.1: 10 of 1,597,106 alleles (0.00063%); highest among the groups gnomAD compares: Non-Finnish European, 0.00086%; no homozygotes.

Submissions (2):

Myriad Genetics, Inc.
Classification: Benign for Polyps, multiple and recurrent inflammatory fibroid, gastrointestinal. Last evaluated: 2026-06-16. Review status: criteria provided, single submitter. Criteria: Myriad Autosomal Dominant, Autosomal Recessive and X-Linked Classification Criteria (2023). Collection method: clinical testing. Allele origin: unknown.
Comment: This variant is considered benign. This variant is intronic and is not expected to impact mRNA splicing. This variant has been observed at a population frequency that is significantly greater than expected given the associated disease prevalence and penetrance.

Labcorp Genetics (formerly Invitae), Labcorp
Classification: Likely benign for Gastrointestinal stromal tumor. Last evaluated: 2026-01-19. Review status: criteria provided, single submitter. Criteria: Invitae Variant Classification Sherloc (09022015). Collection method: clinical testing. Allele origin: germline.

NM_006206.6(PDGFRA):c.629-18A>G

Gene: PDGFRA (platelet derived growth factor receptor alpha; plus strand). Cytogenetic location: 4q12.
Variant type: single nucleotide variant.
Coding change: c.629-18A>G on transcript NM_006206.6 (MANE Select); 18 bases into the intron before coding-DNA position 629, A replaced by G.
Molecular consequence: intron variant.
Genome position (GRCh38, 1-based): chr4:54,264,901, A>G. VCF-style: chr4-54264901-A-G. GRCh37 (hg19) VCF-style: chr4-55131068-A-G.
Other names: c.704-18A>G (NM_001347828.2); c.629-18A>G (NM_001347827.2, NM_001347829.2); c.668-18A>G (NM_001347830.2).
Identifiers: ClinVar variation 1577880 (VCV001577880.9), dbSNP rs762836700, ClinGen allele CA2922343.
Genomic context (GRCh38, chr4:54,264,901, plus strand): 5'-AAAAAAAAAAACCCAAACTTTATAAGATCCTGGCTATCCTGTGGATTTTTAGGCCCTTGT[A>G]TTTGTTCTTTTTTATAGCAACATCAGAGCTGGATCTAGAAATGGAAGCTCTTAAAACCGT-3'